The following is an entry in ClinVar:

ClinVar aggregate classification (germline): Benign/Likely benign. Review status: criteria provided, multiple submitters, no conflicts (2 of 4 stars). 5 submissions from 5 submitters: Benign (4); Likely benign (1). Last evaluated 2026-01-28.

Conditions:
Charcot-Marie-Tooth disease type 2. Also called: Charcot-Marie-Tooth type 2. Identifiers: Orphanet 64746, MedGen C0270914, MONDO:0018993.
Neuroblastoma (NB). Identifiers: Orphanet 635, MedGen C0027819, MeSH D009447, MONDO:0005072, HP:0003006.

Allele frequency attached by ClinVar (database versions not stated): gnomAD 0.00092; ESP Exome Variant Server 0.00161; 1000 Genomes Project 0.00060; ExAC 0.00041; 1000 Genomes Project 30x 0.00062; TOPMed 0.00147.

Submissions (5):

Labcorp Genetics (formerly Invitae), Labcorp
Classification: Benign for Charcot-Marie-Tooth disease type 2. Last evaluated: 2026-01-28. Review status: criteria provided, single submitter. Criteria: Invitae Variant Classification Sherloc (09022015). Collection method: clinical testing. Allele origin: germline.

Ambry Genetics
Classification: Likely benign. Last evaluated: 2020-08-25. Review status: criteria provided, single submitter. Criteria: Ambry Variant Classification Scheme 2023. Collection method: clinical testing. Allele origin: germline.

ARUP Laboratories, Molecular Genetics and Genomics, ARUP Laboratories
Classification: Benign. Last evaluated: 2020-05-07. Review status: criteria provided, single submitter. Criteria: ARUP Molecular Germline Variant Investigation Process. Collection method: clinical testing. Allele origin: germline.

Illumina Laboratory Services, Illumina
Classification: Benign for Neuroblastoma. Last evaluated: 2018-01-12. Review status: criteria provided, single submitter. Criteria: ICSL Variant Classification Criteria 13 December 2019. Collection method: clinical testing. Allele origin: germline.
Comment: This variant was observed in the ICSL laboratory as part of a predisposition screen in an ostensibly healthy population. It had not been previously curated by ICSL or reported in the Human Gene Mutation Database (HGMD: prior to June 1st, 2018), and was therefore a candidate for classification through an automated scoring system. Utilizing variant allele frequency, disease prevalence and penetrance estimates, and inheritance mode, an automated score was calculated to assess if this variant is too frequent to cause the disease. Based on the score and internal cut-off values, a variant classified as benign is not then subjected to further curation. The score for this variant resulted in a classification of benign for this disease.

Breakthrough Genomics
Classification: Benign. Review status: criteria provided, single submitter. Criteria: ACMG Guidelines, 2015. Collection method: not provided. Allele origin: germline. Inheritance: Autosomal dominant inheritance. Affected: yes.

NM_001365951.3(KIF1B):c.3885A>C (p.Thr1295=)

Gene: KIF1B (kinesin family member 1B; plus strand). Cytogenetic location: 1p36.22.
Variant type: single nucleotide variant.
Coding change: c.3885A>C on transcript NM_001365951.3 (MANE Select); coding-DNA position 3885, A replaced by C.
Protein change: p.Thr1295=; no amino-acid change (threonine 1295 retained).
Molecular consequence: synonymous variant.
Genome position (GRCh38, 1-based): chr1:10,348,669, A>C. VCF-style: chr1-10348669-A-C. GRCh37 (hg19) VCF-style: chr1-10408727-A-C.
Other names: c.3885A>C, p.Thr1295= (NM_001365952.1); c.3747A>C, p.Thr1249= (NM_015074.3).
Identifiers: ClinVar variation 543261 (VCV000543261.25), dbSNP rs139159572, ClinGen allele CA581915.